The following is an entry in ClinVar:

NM_024757.5(EHMT1):c.308C>G (p.Ala103Gly)

Gene: EHMT1 (euchromatic histone lysine methyltransferase 1; plus strand). Cytogenetic location: 9q34.3.
Variant type: single nucleotide variant.
Coding change: c.308C>G on transcript NM_024757.5 (MANE Select); coding-DNA position 308, C replaced by G.
Protein change: p.Ala103Gly; replaces alanine 103 with glycine.
Molecular consequence: missense variant.
Genome position (GRCh38, 1-based): chr9:137,716,848, C>G. VCF-style: chr9-137716848-C-G. GRCh37 (hg19) VCF-style: chr9-140611300-C-G.
Other names: c.308C>G, p.Ala103Gly (NM_001145527.2, NM_001354263.2, NM_001354611.2); c.215C>G, p.Ala72Gly (NM_001354259.2, NM_001354612.2); short protein forms A103G, A72G.
Identifiers: ClinVar variation 1017366 (VCV001017366.10), dbSNP rs781024598, ClinGen allele CA201801871.

ClinVar aggregate classification (germline): Uncertain significance (1 of 4 stars; one submission).

Conditions:
Kleefstra syndrome 1 (KLEFS1). Identifiers: Orphanet 261494, MedGen C0795833, MONDO:0027407, OMIM 610253.

Allele frequency attached by ClinVar (database versions not stated): TOPMed 0.00002.
gnomAD v4.1: 1 of 1,613,138 alleles (0.000062%); highest among the groups gnomAD compares: African/African-American, 0.0013%; no homozygotes.

Submission:

Labcorp Genetics (formerly Invitae), Labcorp
Classification: Uncertain significance for Kleefstra syndrome 1. Last evaluated: 2025-06-02. Review status: criteria provided, single submitter. Criteria: Invitae Variant Classification Sherloc (09022015). Collection method: clinical testing. Allele origin: germline.
Comment: This sequence change replaces alanine, which is neutral and non-polar, with glycine, which is neutral and non-polar, at codon 103 of the EHMT1 protein (p.Ala103Gly). This variant is not present in population databases (gnomAD no frequency). This variant has not been reported in the literature in individuals affected with EHMT1-related conditions. ClinVar contains an entry for this variant (Variation ID: 1017366). An algorithm developed to predict the effect of missense changes on protein structure and function (PolyPhen-2) suggests that this variant is likely to be tolerated. In summary, the available evidence is currently insufficient to determine the role of this variant in disease. Therefore, it has been classified as a Variant of Uncertain Significance.